The following is an entry in ClinVar:

ClinVar aggregate classification (germline): Likely benign (1 of 4 stars; one submission).

Submission:

CeGaT Center for Human Genetics Tuebingen
Classification: Likely benign. Last evaluated: 2025-12-01. Review status: criteria provided, single submitter. Criteria: CeGaT Center For Human Genetics Tuebingen Variant Classification Criteria Version 2. Collection method: clinical testing. Allele origin: germline. Affected: yes. Observed: 1 variant allele.
Comment: H2BC14: BP4, BP7

NM_003521.3(H2BC14):c.219T>C (p.Arg73=)

Genes: H2BC14 (H2B clustered histone 14; plus strand), LOC129996134 (ATAC-STARR-seq lymphoblastoid active region 24312; plus strand). Cytogenetic location: 6p22.1.
Variant type: single nucleotide variant.
Coding change: c.219T>C on transcript NM_003521.3 (MANE Select); coding-DNA position 219, T replaced by C.
Protein change: p.Arg73=; no amino-acid change (arginine 73 retained).
Molecular consequence: synonymous variant.
Genome position (GRCh38, 1-based): chr6:27,815,262, T>C. VCF-style: chr6-27815262-T-C. GRCh37 (hg19) VCF-style: chr6-27783040-T-C.
Identifiers: ClinVar variation 4681459 (VCV004681459.5).